The following is an entry in ClinVar:

ClinVar aggregate classification (germline): Uncertain significance (1 of 4 stars; one submission).

Conditions:
Myofibrillar myopathy 6. Identifiers: Orphanet 199340, MedGen C2751831, MONDO:0013061, OMIM 612954.
Dilated cardiomyopathy 1HH (CMD1HH). Identifiers: Orphanet 154, MedGen C3151293, MONDO:0013479, OMIM 613881.

Submission:

Labcorp Genetics (formerly Invitae), Labcorp
Classification: Uncertain significance for Dilated cardiomyopathy 1HH; Myofibrillar myopathy 6. Last evaluated: 2025-10-27. Review status: criteria provided, single submitter. Criteria: Invitae Variant Classification Sherloc (09022015). Collection method: clinical testing. Allele origin: germline.
Comment: This sequence change replaces glycine, which is neutral and non-polar, with aspartic acid, which is acidic and polar, at codon 483 of the BAG3 protein (p.Gly483Asp). This variant is not present in population databases (gnomAD no frequency). This variant has not been reported in the literature in individuals affected with BAG3-related conditions. Invitae Evidence Modeling of protein sequence and biophysical properties (such as structural, functional, and spatial information, amino acid conservation, physicochemical variation, residue mobility, and thermodynamic stability) indicates that this missense variant is expected to disrupt BAG3 protein function with a positive predictive value of 80%. In summary, the available evidence is currently insufficient to determine the role of this variant in disease. Therefore, it has been classified as a Variant of Uncertain Significance.

NM_004281.4(BAG3):c.1448G>A (p.Gly483Asp)

Gene: BAG3 (BAG cochaperone 3; plus strand). Cytogenetic location: 10q26.11.
Variant type: single nucleotide variant.
Coding change: c.1448G>A on transcript NM_004281.4 (MANE Select); coding-DNA position 1448, G replaced by A.
Protein change: p.Gly483Asp; replaces glycine 483 with aspartic acid.
Molecular consequence: missense variant.
Genome position (GRCh38, 1-based): chr10:119,677,002, G>A. VCF-style: chr10-119677002-G-A. GRCh37 (hg19) VCF-style: chr10-121436514-G-A.
Other names: short protein forms G483D.
Identifiers: ClinVar variation 4789211 (VCV004789211.1).